The following is an entry in ClinVar:

NM_001040436.3(YARS2):c.563C>T (p.Ala188Val)

Gene: YARS2 (tyrosyl-tRNA synthetase 2; minus strand). Cytogenetic location: 12p11.21.
Variant type: single nucleotide variant.
Coding change: c.563C>T on transcript NM_001040436.3 (MANE Select); coding-DNA position 563, C replaced by T.
Protein change: p.Ala188Val; replaces alanine 188 with valine.
Molecular consequence: missense variant.
Genome position (GRCh38, 1-based): chr12:32,755,312, G>A on the plus strand (C>T on the coding strand, the complement: YARS2 is on the minus strand). VCF-style: chr12-32755312-G-A. GRCh37 (hg19) VCF-style: chr12-32908246-G-A.
Other names: short protein forms A188V.
Identifiers: ClinVar variation 1925878 (VCV001925878.4), dbSNP rs1955826987, ClinGen allele CA384373644.

ClinVar aggregate classification (germline): Uncertain significance (1 of 4 stars; one submission).

Allele frequency attached by ClinVar (database versions not stated): gnomAD exomes below 0.00001; TOPMed below 0.00001; gnomAD 0.00001.
gnomAD v4.1: 4 of 1,613,984 alleles (0.00025%); highest among the groups gnomAD compares: African/African-American, 0.0027%; no homozygotes.

Submission:

Labcorp Genetics (formerly Invitae), Labcorp
Classification: Uncertain significance. Last evaluated: 2025-01-27. Review status: criteria provided, single submitter. Criteria: Invitae Variant Classification Sherloc (09022015). Collection method: clinical testing. Allele origin: germline.
Comment: This sequence change replaces alanine, which is neutral and non-polar, with valine, which is neutral and non-polar, at codon 188 of the YARS2 protein (p.Ala188Val). This variant is not present in population databases (gnomAD no frequency). This variant has not been reported in the literature in individuals affected with YARS2-related conditions. ClinVar contains an entry for this variant (Variation ID: 1925878). Invitae Evidence Modeling of protein sequence and biophysical properties (such as structural, functional, and spatial information, amino acid conservation, physicochemical variation, residue mobility, and thermodynamic stability) indicates that this missense variant is not expected to disrupt YARS2 protein function with a negative predictive value of 95%. In summary, the available evidence is currently insufficient to determine the role of this variant in disease. Therefore, it has been classified as a Variant of Uncertain Significance.